The following is an entry in ClinVar:

NM_000363.5(TNNI3):c.*2C>T

Gene: TNNI3 (troponin I3, cardiac type; minus strand). Cytogenetic location: 19q13.42.
Variant type: single nucleotide variant.
Coding change: c.*2C>T on transcript NM_000363.5 (MANE Select); 2 bases downstream of the stop codon, C replaced by T.
Molecular consequence: 3 prime UTR variant.
Genome position (GRCh38, 1-based): chr19:55,151,832, G>A on the plus strand (C>T on the coding strand, the complement: TNNI3 is on the minus strand). VCF-style: chr19-55151832-G-A. GRCh37 (hg19) VCF-style: chr19-55663200-G-A.
Identifiers: ClinVar variation 3386096 (VCV003386096.1).
Genomic context (GRCh38, chr19:55,151,832, plus strand): 5'-GCTCAGAGAGAAGCTTTATTCCTCAGGGCCCTCCTCAGGGCAGGGGCAGTAGGCAGGAAG[G>A]CTCAGCTCTCAAACTTTTTCTTGCGGCCCTCCATTCCACTCAGTGCATCGATGTTCTTGC-3'

ClinVar aggregate classification (germline): Uncertain significance (1 of 4 stars; one submission).

Conditions:
Hypertrophic cardiomyopathy. Also called: HYPERTROPHIC MYOCARDIOPATHY. Identifiers: Orphanet 217569, MedGen C0007194, MeSH D002312, MONDO:0005045, HP:0001639.

Submission:

All of Us Research Program, National Institutes of Health
Classification: Uncertain significance for Hypertrophic cardiomyopathy. Last evaluated: 2024-07-29. Review status: criteria provided, single submitter. Criteria: ACMG Guidelines, 2015. Collection method: clinical testing. Allele origin: germline. Inheritance: Autosomal dominant inheritance. Observed: 1 variant allele, 1 heterozygote.
Comment: This variant is located in the 3' untranslated region of the TNNI3 gene. To our knowledge, functional studies have not been reported for this variant. This variant has not been reported in individuals affected with TNNI3-related disorders in the literature. This variant has not been identified in the general population by the Genome Aggregation Database (gnomAD). The available evidence is insufficient to determine the role of this variant in disease conclusively. Therefore, this variant is classified as a Variant of Uncertain Significance.

This study involves interpretation of variants in research participants for the purpose of population health screening. Participant phenotype was not available at the time of variant classification. Additional details can be found in publication PMID: 35346344, PMCID: PMC8962531